The following is an entry in ClinVar:

NM_000218.3(KCNQ1):c.1394-28351G>A

Genes: KCNQ1OT1 (KCNQ1 opposite strand/antisense transcript 1; minus strand), KCNQ1 (potassium voltage-gated channel subfamily Q member 1; plus strand). Cytogenetic location: 11p15.5.
Variant type: single nucleotide variant.
Coding change: c.1394-28351G>A on transcript NM_000218.3 (MANE Select); 28351 bases into the intron before coding-DNA position 1394, G replaced by A.
Molecular consequence: intron variant. On other transcripts: non-coding transcript variant (1).
Genome position (GRCh38, 1-based): chr11:2,633,610, G>A. VCF-style: chr11-2633610-G-A. GRCh37 (hg19) VCF-style: chr11-2654840-G-A.
Other names: c.1124-28351G>A (NM_001406837.1); c.1298-28351G>A (NM_001406836.1); c.854-28351G>A (NM_001406838.1); c.1013-28351G>A (NM_181798.2).
Identifiers: ClinVar variation 2672443 (VCV002672443.23), dbSNP rs142652707, ClinGen allele CA216147359.
Genomic context (GRCh38, chr11:2,633,610, plus strand): 5'-CTGAGAGATAGTATAGTTTCATTCTTCTGCATATGATATCCTGTTTTCCCAACATGATGT[G>A]TTCAACATGGTGTCCTTTCCCCAGAGTGTGTTCTTGGCACCTTTGTCAAAAACCAGTTGT-3'

ClinVar aggregate classification (germline): Benign (1 of 4 stars; one submission).

Allele frequency attached by ClinVar (database versions not stated): 1000 Genomes Project 30x 0.00016; 1000 Genomes Project 0.00020; gnomAD 0.00023; TOPMed 0.00034; gnomAD exomes 0.00040.
gnomAD v4.1: 134 of 398,478 alleles (0.034%); highest among the groups gnomAD compares: Admixed American, 0.057%; no homozygotes.

Submission:

CeGaT Center for Human Genetics Tuebingen
Classification: Benign. Last evaluated: 2026-06-01. Review status: criteria provided, single submitter. Criteria: CeGaT Center For Human Genetics Tuebingen Variant Classification Criteria Version 2. Collection method: clinical testing. Allele origin: germline. Affected: yes. Observed: 3 variant alleles.
Comment: KCNQ1OT1: BS1, BS2